The following is an entry in ClinVar:

NM_002617.4(PEX10):c.567C>A (p.Tyr189Ter)

Gene: PEX10 (peroxisomal biogenesis factor 10; minus strand). Cytogenetic location: 1p36.32.
Variant type: single nucleotide variant.
Coding change: c.567C>A on transcript NM_002617.4 (MANE Select); coding-DNA position 567, C replaced by A.
Protein change: p.Tyr189Ter; replaces tyrosine 189 with a stop codon.
Molecular consequence: nonsense. On other transcripts: non-coding transcript variant (1).
Genome position (GRCh38, 1-based): chr1:2,408,485, G>T on the plus strand (C>A on the coding strand, the complement: PEX10 is on the minus strand). VCF-style: chr1-2408485-G-T. GRCh37 (hg19) VCF-style: chr1-2339924-G-T.
Other names: c.567C>A, p.Tyr189Ter (NM_001374425.1, NM_153818.2); c.135C>A, p.Tyr45Ter (NM_001374426.1, NM_001374427.1); short protein forms Y189*, Y45*.
Identifiers: ClinVar variation 4816949 (VCV004816949.1).

ClinVar aggregate classification (germline): Likely pathogenic (1 of 4 stars; one submission).

Conditions:
Zellweger spectrum disorders (ZS). Also called: Zellweger Spectrum Disorder (ZSD); Zellweger syndrome; Zellweger Spectrum Disorder; Zellweger Spectrum. Identifiers: Orphanet 912, MedGen C0043459, MONDO:0019609.

Submission:

Natera, Inc.
Classification: Likely pathogenic for Zellweger syndrome. Last evaluated: 2024-08-14. Review status: criteria provided, single submitter. Criteria: Natera Variant Classification Schema (03/2026). Collection method: clinical testing. Allele origin: germline.
Comment: The c.567C>A variant in PEX10 is a nonsense variant predicted to introduce a stop codon at amino acid 189. This variant is expected to result in nonsense mediated decay, truncation, or a dysfunctional protein product. This variant is rare in the general population with a frequency below the threshold expected for the associated phenotype(s). Given the available evidence, this variant is classified as Likely Pathogenic.